The following is an entry in ClinVar:

NM_024809.5(TCTN2):c.965C>T (p.Thr322Ile)

Gene: TCTN2 (tectonic family member 2; plus strand). Cytogenetic location: 12q24.31.
Variant type: single nucleotide variant.
Coding change: c.965C>T on transcript NM_024809.5 (MANE Select); coding-DNA position 965, C replaced by T.
Protein change: p.Thr322Ile; replaces threonine 322 with isoleucine.
Molecular consequence: missense variant.
Genome position (GRCh38, 1-based): chr12:123,690,606, C>T. VCF-style: chr12-123690606-C-T. GRCh37 (hg19) VCF-style: chr12-124175153-C-T.
Other names: c.962C>T, p.Thr321Ile (NM_001143850.3); short protein forms T322I, T321I.
Identifiers: ClinVar variation 1425562 (VCV001425562.6), dbSNP rs2135839958, ClinGen allele CA387140168.

ClinVar aggregate classification (germline): Uncertain significance (1 of 4 stars; one submission).

Conditions:
Joubert syndrome. Also called: CEREBELLOPARENCHYMAL DISORDER IV; JOUBERT-BOLTSHAUSER SYNDROME; Familial aplasia of the vermis. Identifiers: Orphanet 475, MedGen C5979921, MONDO:0018772.
Meckel-Gruber syndrome. Also called: DYSENCEPHALIA SPLANCHNOCYSTICA; GRUBER SYNDROME; Dysencephalia splachnocystica. Identifiers: Orphanet 564, MedGen C0265215, MONDO:0018921.

Allele frequency attached by ClinVar (database versions not stated): gnomAD exomes below 0.00001.
gnomAD v4.1: 1 of 1,614,090 alleles (0.000062%); highest among the groups gnomAD compares: African/African-American, 0.0013%; no homozygotes.

Submission:

Labcorp Genetics (formerly Invitae), Labcorp
Classification: Uncertain significance for Joubert syndrome; Meckel-Gruber syndrome. Last evaluated: 2023-09-25. Review status: criteria provided, single submitter. Criteria: Invitae Variant Classification Sherloc (09022015). Collection method: clinical testing. Allele origin: germline.
Comment: In summary, the available evidence is currently insufficient to determine the role of this variant in disease. Therefore, it has been classified as a Variant of Uncertain Significance. This sequence change replaces threonine, which is neutral and polar, with isoleucine, which is neutral and non-polar, at codon 322 of the TCTN2 protein (p.Thr322Ile). This variant is not present in population databases (gnomAD no frequency). This variant has not been reported in the literature in individuals affected with TCTN2-related conditions. ClinVar contains an entry for this variant (Variation ID: 1425562). Advanced modeling of protein sequence and biophysical properties (such as structural, functional, and spatial information, amino acid conservation, physicochemical variation, residue mobility, and thermodynamic stability) performed at Invitae indicates that this missense variant is expected to disrupt TCTN2 protein function.